The following is an entry in ClinVar:

NM_000218.3(KCNQ1):c.805G>A (p.Gly269Ser)

Gene: KCNQ1 (potassium voltage-gated channel subfamily Q member 1; plus strand). Cytogenetic location: 11p15.5.
Variant type: single nucleotide variant.
Coding change: c.805G>A on transcript NM_000218.3 (MANE Select); coding-DNA position 805, G replaced by A.
Protein change: p.Gly269Ser; replaces glycine 269 with serine.
Molecular consequence: missense variant.
Genome position (GRCh38, 1-based): chr11:2,572,870, G>A. VCF-style: chr11-2572870-G-A. GRCh37 (hg19) VCF-style: chr11-2594100-G-A.
Other names: p.G269S:GGC>AGC; c.805G>A, p.Gly269Ser (NM_001406836.1); c.535G>A, p.Gly179Ser (NM_001406837.1); c.424G>A, p.Gly142Ser (NM_181798.2); c.805G>A (LRG_287t1); short protein forms G269S, G142S, G179S.
Identifiers: ClinVar variation 3144 (VCV000003144.33), dbSNP rs120074193, ClinGen allele CA008278.

ClinVar aggregate classification (germline): Pathogenic. Review status: criteria provided, multiple submitters, no conflicts (2 of 4 stars). 16 submissions from 16 submitters: Pathogenic (13). 3 of the submissions do not count toward it. Last evaluated 2026-03-19.

Conditions:
KCNQ1-related disorder. Also called: KCNQ1-related disorders; KCNQ1-related condition. Identifiers: MedGen CN239322.
Cardiovascular phenotype. Identifiers: MedGen CN230736.
Familial long QT syndrome (RWS). Also called: Romano-Ward syndrome; VENTRICULAR FIBRILLATION WITH PROLONGED QT INTERVAL; Congenital long QT syndrome. Identifiers: Orphanet 768, MedGen C1141890, MONDO:0019171.
Cardiac arrhythmia. Also called: Cardiac rhythm disease; Arrhythmia. Identifiers: MedGen C0003811, MONDO:0007263, HP:0011675.
Atrial fibrillation, familial, 3 (ATFB3). Identifiers: MedGen C1837014, MONDO:0011857, OMIM 607554.
Long QT syndrome 1 (LQT1). Identifiers: Orphanet 101016, Orphanet 768, MedGen C4551647, MONDO:0100316, OMIM 192500, MONDO:0008646.
Short QT syndrome type 2. Identifiers: Orphanet 51083, MedGen C1865019, MONDO:0012313, OMIM 609621.
Jervell and Lange-Nielsen syndrome 1 (JLNS1). Also called: PROLONGED QT INTERVAL IN EKG AND SUDDEN DEATH; SURDO-CARDIAC SYNDROME; CARDIOAUDITORY SYNDROME OF JERVELL AND LANGE-NIELSEN; DEAFNESS, CONGENITAL, AND FUNCTIONAL HEART DISEASE. Identifiers: Orphanet 768, Orphanet 90647, MedGen C4551509, MONDO:0024540, OMIM 220400.
Beckwith-Wiedemann syndrome (BWS). Also called: EMG SYNDROME; Exomphalos macroglossia gigantism syndrome. Identifiers: Orphanet 116, MedGen C0004903, MONDO:0007534, OMIM 130650.
Long QT syndrome (LQTS). Identifiers: MedGen C0023976, MeSH D008133, MONDO:0002442. Disease mechanism: loss of function. Inheritance: Various modes of inheritance.

Allele frequency attached by ClinVar (database versions not stated): gnomAD exomes below 0.00001 and 0.00002; 1000 Genomes Project 0.00020; TOPMed below 0.00001; ExAC 0.00001; gnomAD 0.00001; 1000 Genomes Project 30x 0.00016.
gnomAD v4.1: 30 of 1,613,810 alleles (0.0019%); highest among the groups gnomAD compares: Non-Finnish European, 0.0023%; no homozygotes.

Submissions 1 to 6 of 16:

Victorian Clinical Genetics Services, Murdoch Childrens Research Institute
Classification: Pathogenic for Long QT syndrome 1. Last evaluated: 2026-03-19. Review status: criteria provided, single submitter. Criteria: ACMG Guidelines, 2015. Collection method: clinical testing. Allele origin: germline.
Comment: This variant is classified as Pathogenic. Evidence in support of pathogenic classification: Variant is present in gnomAD <0.01 (v4: 30 heterozygote(s), 0 homozygote(s)); This variant has strong previous evidence of pathogenicity in unrelated individuals. This variant has been classified as pathogenic by multiple clinical laboratories in ClinVar and has been reported in the literature in many individuals with long QT syndrome or sudden unexplained death (PMIDs: 12702160, 15466642, 12205113, 15234419, 22677073, 29439887); This variant has moderate functional evidence supporting abnormal protein function. In vitro studies show that this variant has abnormal delayed rectifier potassium current, defects in subcellular localisation, reduced stability, and a dominant negative effect over wild type (PMID: 20044973, 24184248); Other missense variants comparable to the one identified in this case have strong previous evidence for pathogenicity. p.(Gly269Asp), p.(Gly269Arg) and p.(Gly269Val) have all been classified as likely pathogenic/pathogenic by clinical laboratories in ClinVar; Missense variant predicted to be damaging by in silico tool(s) or highly conserved with a major amino acid change. Additional information: Variant is predicted to result in a missense amino acid change from Gly to Ser; This variant is heterozygous; This gene is known to be associated with both recessive and dominant disease. JLNS is characterised by congenital, bilateral deafness and variable degrees of QT prolongation, and is the only condition caused by biallelic variants (PMID: 28438721); Alternative amino acid change(s) at the same position are present in gnomAD (highest allele count: v4: 2 heterozygote(s), 0 homozygote(s)); Variant is located in the annotated ion transport protein domain (DECIPHER); Dominant negative, loss of function and gain of function are known mechanisms of disease in this gene. Gain of function variants result exclusively in short QT syndrome 2 (MIM#609621), while dominant negative and loss of function variants can cause long QT syndrome 1 (LQTS, MIM#192500), familial atrial fibrillation 3 (MIM#607554) as well as Jervell and Lange-Nielsen syndrome (JLNS, MIM#220400) (OMIM, PMIDs: 19632626, 28438721). - The condition associated with this gene has incomplete penetrance (OMIM, PMID: 20301308). - Inheritance information for this variant is not currently available in this individual.

Labcorp Genetics (formerly Invitae), Labcorp
Classification: Pathogenic for Long QT syndrome. Last evaluated: 2026-01-17. Review status: criteria provided, single submitter. Criteria: Invitae Variant Classification Sherloc (09022015). Collection method: clinical testing. Allele origin: germline.
Comment: This sequence change replaces glycine, which is neutral and non-polar, with serine, which is neutral and polar, at codon 269 of the KCNQ1 protein (p.Gly269Ser). This variant is present in population databases (rs120074193, gnomAD 0.003%). This missense change has been observed in individual(s) with long QT syndrome (PMID: 15176425, 15234419, 18752142, 24184248). It has also been observed to segregate with disease in related individuals. ClinVar contains an entry for this variant (Variation ID: 3144). Invitae Evidence Modeling of protein sequence and biophysical properties (such as structural, functional, and spatial information, amino acid conservation, physicochemical variation, residue mobility, and thermodynamic stability) has been performed for this missense variant. However, the output from this modeling did not meet the statistical confidence thresholds required to predict the impact of this variant on KCNQ1 protein function. Experimental studies have shown that this missense change affects KCNQ1 function (PMID: 20044973, 24184248). This variant disrupts the p.Gly269 amino acid residue in KCNQ1. Other variant(s) that disrupt this residue have been determined to be pathogenic (PMID: 9312006, 9386136, 10973849, 12051962, 12522251, 17470695). This suggests that this residue is clinically significant, and that variants that disrupt this residue are likely to be disease-causing. For these reasons, this variant has been classified as Pathogenic.

North West Genomic Laboratory Hub, Manchester University NHS Foundation Trust
Classification: Pathogenic for Long QT syndrome. Last evaluated: 2025-11-05. Review status: criteria provided, single submitter. Criteria: ACGS Best Practice Guidelines for Variant Classification in Rare Disease 2024. Collection method: clinical testing. Allele origin: germline. Affected: yes.
Comment: PS4_Str PS3_Supp PP3_Supp PM3_Mod PP1_Str PM1_Mod

Ambry Genetics
Classification: Pathogenic for Cardiovascular phenotype. Last evaluated: 2025-08-21. Review status: criteria provided, single submitter. Criteria: Ambry Variant Classification Scheme 2023. Collection method: clinical testing. Allele origin: germline.
Comment: The p.G269S pathogenic mutation (also known as c.805G>A), located in coding exon 6 of the KCNQ1 gene, results from a G to A substitution at nucleotide position 805. The glycine at codon 269 is replaced by serine, an amino acid with similar properties. This variant was reported in individual(s) with features consistent with long QT syndrome (LQTS) and segregated with disease in at least one family (Ackerman MJ et al. Mayo Clin. Proc., 1999 Nov;74:1088-94; Chen S et al. Clin. Genet., 2003 Apr;63:273-82; Shimizu W et al. J. Am. Coll. Cardiol., 2004 Jul;44:117-25; Berge KE et al. Scand. J. Clin. Lab. Invest., 2008;68:362-8). In multiple assays testing KCNQ1 function, this variant showed functionally abnormal results (Murray A et al. J. Med. Genet., 2002 Sep;39:681-5; Wu J et al. J. Am. Coll. Cardiol., 2014 Mar;63:819-27).This amino acid position is highly conserved in available vertebrate species. In addition, this alteration is predicted to be deleterious by in silico analysis. Based on the supporting evidence, this variant is interpreted as a disease-causing mutation.

All of Us Research Program, National Institutes of Health
Classification: Pathogenic for Long QT syndrome. Last evaluated: 2024-06-09. Review status: criteria provided, single submitter. Criteria: ACMG Guidelines, 2015. Collection method: clinical testing. Allele origin: germline. Inheritance: Autosomal dominant inheritance. Observed: 1 variant allele, 1 heterozygote.
Comment: This missense variant replaces glycine with serine at codon 269 of the KCNQ1 protein. This variant is found within the highly conserved transmembrane domain S5 (a.a. 262-282). Rare non-truncating variants in this region have been shown to be significantly overrepresented in individuals with long QT syndrome (PMID: 32893267). A functional study has shown that this variant leads to a modest reduction in potassium channel current under control conditions and results in a completely blunted channel response to PKA stimulation (PMID: 24184248). This variant has been reported in at least twenty unrelated individuals affected with long QT syndrome (PMID: 12702160, 15176425, 15234419, 17905336, 24184248, 27920829, 29740400, 32893267, 38489124). It has been shown that this variant segregates with disease in four of the families (PMID: 24184248). This variant has also been reported in two individuals affected with sudden death (PMID: 16436635, 22677073) as well as in some asymptomatic individuals (PMID: 10560595, 12702160). This variant has been identified in 1/250528 chromosomes in the general population by the Genome Aggregation Database (gnomAD). A different variant affecting the same codon, c.806G>A (p.Gly269Asp), is considered to be disease-causing (ClinVar variation ID: 3145), suggesting that glycine at this position is important for the protein function. Based on the available evidence, this variant is classified as Pathogenic.

This study involves interpretation of variants in research participants for the purpose of population health screening. Participant phenotype was not available at the time of variant classification. Additional details can be found in publication PMID: 35346344, PMCID: PMC8962531

Molecular Diagnostic Laboratory for Inherited Cardiovascular Disease, Montreal Heart Institute
Classification: Pathogenic for Cardiovascular phenotype. Last evaluated: 2024-04-26. Review status: criteria provided, single submitter. Criteria: ACMG Guidelines, 2015. Collection method: clinical testing. Allele origin: germline. Affected: yes.
Comment: PS4, PM1_strong, PP1_strong, PS3_mod, PM2, PM5, PP2, PP3, PP5